The following is an entry in ClinVar:

NM_002382.5(MAX):c.454A>G (p.Arg152Gly)

Gene: MAX (MYC associated transcriptional regulator X; minus strand). Cytogenetic location: 14q23.3.
Variant type: single nucleotide variant.
Coding change: c.454A>G on transcript NM_002382.5 (MANE Select); coding-DNA position 454, A replaced by G.
Protein change: p.Arg152Gly; replaces arginine 152 with glycine.
Molecular consequence: missense variant. On other transcripts: 3 prime UTR variant (12), non-coding transcript variant (7), intron variant (2).
Genome position (GRCh38, 1-based): chr14:65,076,505, T>C on the plus strand (A>G on the coding strand, the complement: MAX is on the minus strand). VCF-style: chr14-65076505-T-C. GRCh37 (hg19) VCF-style: chr14-65543223-T-C.
Other names: c.265A>G, p.Arg89Gly (NM_001320415.2, NM_001407105.1, NM_001407106.1 and 1 more transcripts); c.454A>G, p.Arg152Gly (NM_001407094.1); c.427A>G, p.Arg143Gly (NM_001407095.1, NM_145112.3); c.*227A>G (NM_001407096.1, NM_001407099.1, NM_001407102.1 and 2 more transcripts); c.*243A>G (NM_001407097.1, NM_001407100.1, NM_001407101.1 and 4 more transcripts); c.346A>G, p.Arg116Gly (NM_001407098.1); c.253A>G, p.Arg85Gly (NM_001407111.1, NM_001407112.1); c.144+17203A>G (NM_001271069.2); and 1 more; short protein forms R152G, R85G, R116G, R143G, R89G.
Identifiers: ClinVar variation 2453895 (VCV002453895.2), dbSNP rs2504172800, ClinGen allele CA390031220.

ClinVar aggregate classification (germline): Uncertain significance (1 of 4 stars; one submission).

Conditions:
Hereditary cancer-predisposing syndrome. Also called: Neoplastic Syndromes, Hereditary; Hereditary neoplastic syndrome; Tumor predisposition; Hereditary Cancer Syndrome. Identifiers: Orphanet 140162, MedGen C0027672, MeSH D009386, MONDO:0015356.

Submission:

Ambry Genetics
Classification: Uncertain significance for Hereditary cancer-predisposing syndrome. Last evaluated: 2023-02-10. Review status: criteria provided, single submitter. Criteria: Ambry Variant Classification Scheme 2023. Collection method: clinical testing. Allele origin: germline.
Comment: The p.R152G variant (also known as c.454A>G), located in coding exon 5 of the MAX gene, results from an A to G substitution at nucleotide position 454. The arginine at codon 152 is replaced by glycine, an amino acid with dissimilar properties. This amino acid position is highly conserved in available vertebrate species. In addition, this alteration is predicted to be deleterious by in silico analysis. Since supporting evidence is limited at this time, the clinical significance of this alteration remains unclear.